The following is an entry in ClinVar:

ClinVar aggregate classification (germline): Uncertain significance. Review status: criteria provided, multiple submitters, no conflicts (2 of 4 stars). 3 submissions from 3 submitters: Uncertain significance (3). Last evaluated 2025-10-06.

Conditions:
Intellectual disability, autosomal dominant 16 (CSS4). Also called: COFFIN-SIRIS SYNDROME 4. Identifiers: Orphanet 1465, MedGen C3553249, MONDO:0013821, OMIM 614609.
Rhabdoid tumor predisposition syndrome 2 (RTPS2). Identifiers: Orphanet 231108, Orphanet 69077, MedGen C2750074, MONDO:0013224, OMIM 613325.
Otosclerosis 12. Identifiers: MedGen C5935610, MONDO:0968980, OMIM 620792.
Hereditary cancer-predisposing syndrome. Also called: Neoplastic Syndromes, Hereditary; Tumor predisposition; Hereditary Cancer Syndrome; Hereditary neoplastic syndrome. Identifiers: Orphanet 140162, MedGen C0027672, MeSH D009386, MONDO:0015356.

Submissions (3):

Labcorp Genetics (formerly Invitae), Labcorp
Classification: Uncertain significance for Rhabdoid tumor predisposition syndrome 2. Last evaluated: 2025-10-06. Review status: criteria provided, single submitter. Criteria: Invitae Variant Classification Sherloc (09022015). Collection method: clinical testing. Allele origin: germline.
Comment: This variant, c.2056_2058del, results in the deletion of 1 amino acid(s) of the SMARCA4 protein (p.Glu686del), but otherwise preserves the integrity of the reading frame. This variant is not present in population databases (gnomAD no frequency). This variant has not been reported in the literature in individuals affected with SMARCA4-related conditions. Experimental studies and prediction algorithms are not available or were not evaluated, and the functional significance of this variant is currently unknown. In summary, the available evidence is currently insufficient to determine the role of this variant in disease. Therefore, it has been classified as a Variant of Uncertain Significance.

Ambry Genetics
Classification: Uncertain significance for Hereditary cancer-predisposing syndrome. Last evaluated: 2023-06-21. Review status: criteria provided, single submitter. Criteria: Ambry Variant Classification Scheme 2023. Collection method: clinical testing. Allele origin: germline.
Comment: The c.2056_2058delGAG variant (also known as p.E686del) is located in coding exon 13 of the SMARCA4 gene. This variant results from an in-frame GAG deletion at nucleotide positions 2056 to 2058. This results in the in-frame deletion of a glutamic acid at codon 686. This amino acid position is not well conserved in available vertebrate species. In addition, this alteration is predicted to be neutral by in silico analysis (Choi Y et al. PLoS ONE. 2012; 7(10):e46688). Missense and in-frame variants in SMARCA4 are known to cause neurodevelopmental disorders; however, such associations with rhabdoid tumor predisposition syndrome including small cell carcinoma of the ovary-hypercalcemic type (SCCOHT) are exceedingly rare (Kosho T et al. Am J Med Genet C Semin Med Genet. 2014 Sep;166C(3):262-75; Jelinic P et al. Nat Genet. 2014 May;46(5):424-6). Based on the supporting evidence, the association of this alteration with Coffin-Siris syndrome is unknown; however, the association of this alteration with rhabdoid tumor predisposition syndrome is unlikely.

Juno Genomics, Hangzhou Juno Genomics, Inc
Classification: Uncertain significance for Otosclerosis 12; Rhabdoid tumor predisposition syndrome 2; Intellectual disability, autosomal dominant 16. Review status: criteria provided, single submitter. Criteria: ACMG Guidelines, 2015. Collection method: clinical testing. Allele origin: germline.
Comment: Absent from controls (or at extremely low frequency if recessive) in Genome Aggregation Database.;Protein length changes due to in-frame deletions/insertions in a non-repeat region or stop-loss variants.

NM_003072.5(SMARCA4):c.2053GAG[1] (p.Glu686del)

Gene: SMARCA4 (SWI/SNF related BAF chromatin remodeling complex subunit ATPase 4; plus strand). Cytogenetic location: 19p13.2.
Variant type: Microsatellite.
Coding change: c.2053GAG[1] on transcript NM_003072.5 (MANE Select); one copy of the 3-base unit GAG starting at c.2053; the reference has two copies in a row; one copy, 3 bases deleted; also written c.2056_2058del.
Protein change: p.Glu686del; deletes glutamic acid 686.
Molecular consequence: inframe deletion. On other transcripts: non-coding transcript variant (1).
Genome position (GRCh38, 1-based): chr19:11,007,956-11,007,958, GAG deleted; deleting any 3 consecutive bases within chr19:11,007,952-11,007,958 gives the same sequence; the position shown is the placement nearest the transcript's 3' end. VCF-style (leftmost placement, unchanged base first): chr19-11007951-TGGA-T. GRCh37 (hg19) VCF-style: chr19-11118627-TGGA-T.
Other names: c.2053GAG[1], p.Glu686del (NM_001128844.3, NM_001128845.2, NM_001128846.2 and 6 more transcripts); c.2056_2058del (NM_003072.5); short protein forms E686del.
Identifiers: ClinVar variation 2587106 (VCV002587106.7), dbSNP rs1172379657, ClinGen allele CA2582342352.